The following is an entry in ClinVar:

NM_001256071.3(RNF213):c.13595T>A (p.Ile4532Asn)

Genes: RNF213 (ring finger protein 213; plus strand), RNF213-AS1 (RNF213 antisense RNA 1; minus strand). Cytogenetic location: 17q25.3.
Variant type: single nucleotide variant.
Coding change: c.13595T>A on transcript NM_001256071.3 (MANE Select); coding-DNA position 13595, T replaced by A.
Protein change: p.Ile4532Asn; replaces isoleucine 4532 with asparagine.
Molecular consequence: missense variant.
Genome position (GRCh38, 1-based): chr17:80,379,669, T>A. VCF-style: chr17-80379669-T-A. GRCh37 (hg19) VCF-style: chr17-78353469-T-A.
Other names: c.13742T>A, p.Ile4581Asn (NM_001410195.1, NM_020914.5); short protein forms I4532N, I4581N.
Identifiers: ClinVar variation 3252931 (VCV003252931.1), dbSNP rs373648166.

ClinVar aggregate classification (germline): Uncertain significance (1 of 4 stars; one submission).

Submission:

GeneDx
Classification: Uncertain significance. Last evaluated: 2023-12-13. Review status: criteria provided, single submitter. Criteria: GeneDx Variant Classification Process June 2021. Collection method: clinical testing. Allele origin: germline. Affected: yes.
Comment: Not observed at significant frequency in large population cohorts (gnomAD); In silico analysis supports that this missense variant has a deleterious effect on protein structure/function; Has not been previously published as pathogenic or benign to our knowledge.